The following is an entry in ClinVar:

NM_012243.3(SLC35A3):c.92AAG[2] (p.Glu33del)

Gene: SLC35A3 (solute carrier family 35 member A3; plus strand). Cytogenetic location: 1p21.2.
Variant type: Microsatellite.
Coding change: c.92AAG[2] on transcript NM_012243.3 (MANE Select); two copies in a row of the 3-base unit AAG starting at c.92; the reference has three copies in a row; one copy, 3 bases deleted; also written c.98_100del.
Protein change: p.Glu33del; deletes glutamic acid 33.
Molecular consequence: inframe deletion.
Genome position (GRCh38, 1-based): chr1:99,993,652-99,993,654, AAG deleted; deleting any 3 consecutive bases within chr1:99,993,646-99,993,654 gives the same sequence; the position shown is the placement nearest the transcript's 3' end. VCF-style (leftmost placement, unchanged base first): chr1-99993645-AAAG-A. GRCh37 (hg19) VCF-style: chr1-100459201-AAAG-A.
Other names: c.92AAG[2], p.Glu33del (NM_001271684.2); c.218AAG[2], p.Glu75del (NM_001271685.2); c.98_100del (NM_012243.3); short protein forms E33del, E75del.
Identifiers: ClinVar variation 2181451 (VCV002181451.3), dbSNP rs748349847, ClinGen allele CA967515.

ClinVar aggregate classification (germline): Uncertain significance. Review status: criteria provided, multiple submitters, no conflicts (2 of 4 stars). 2 submissions from 2 submitters: Uncertain significance (2). Last evaluated 2021-08-30.

Conditions:
Autism spectrum disorder - epilepsy - arthrogryposis syndrome (AMRS). Identifiers: Orphanet 370943, MedGen C3809910, MONDO:0014248, OMIM 615553.

Submissions (2):

Labcorp Genetics (formerly Invitae), Labcorp
Classification: Uncertain significance for Autism spectrum disorder - epilepsy - arthrogryposis syndrome. Last evaluated: 2021-08-30. Review status: criteria provided, single submitter. Criteria: Invitae Variant Classification Sherloc (09022015). Collection method: clinical testing. Allele origin: germline.
Comment: This variant, c.98_100del, results in the deletion of 1 amino acid(s) of the SLC35A3 protein (p.Glu33del), but otherwise preserves the integrity of the reading frame. This variant is present in population databases (rs748349847, ExAC 0.2%). This variant has not been reported in the literature in individuals affected with SLC35A3-related conditions. Experimental studies and prediction algorithms are not available or were not evaluated, and the functional significance of this variant is currently unknown. In summary, the available evidence is currently insufficient to determine the role of this variant in disease. Therefore, it has been classified as a Variant of Uncertain Significance.

Juno Genomics, Hangzhou Juno Genomics, Inc
Classification: Uncertain significance for Autism spectrum disorder - epilepsy - arthrogryposis syndrome. Review status: criteria provided, single submitter. Criteria: ACMG Guidelines, 2015. Collection method: clinical testing. Allele origin: germline.
Comment: Absent from controls (or at extremely low frequency if recessive) in Genome Aggregation Database.;Protein length changes due to in-frame deletions/insertions in a non-repeat region or stop-loss variants.